The following is an entry in ClinVar:

NM_000218.3(KCNQ1):c.1514+4306G>A

Genes: KCNQ1 (potassium voltage-gated channel subfamily Q member 1; plus strand), KCNQ1OT1 (KCNQ1 opposite strand/antisense transcript 1; minus strand). Cytogenetic location: 11p15.5.
Variant type: single nucleotide variant.
Coding change: c.1514+4306G>A on transcript NM_000218.3 (MANE Select); 4306 bases into the intron after coding-DNA position 1514, G replaced by A.
Molecular consequence: intron variant. On other transcripts: non-coding transcript variant (1).
Genome position (GRCh38, 1-based): chr11:2,666,387, G>A. VCF-style: chr11-2666387-G-A. GRCh37 (hg19) VCF-style: chr11-2687617-G-A.
Other names: c.1244+4306G>A (NM_001406837.1); c.1418+4306G>A (NM_001406836.1); c.974+4306G>A (NM_001406838.1); c.1133+4306G>A (NM_181798.2).
Identifiers: ClinVar variation 3341930 (VCV003341930.16).

ClinVar aggregate classification (germline): Benign (1 of 4 stars; one submission).

gnomAD v4.1: 56 of 398,648 alleles (0.014%); highest among the groups gnomAD compares: South Asian, 0.11%; no homozygotes.

Submission:

CeGaT Center for Human Genetics Tuebingen
Classification: Benign. Last evaluated: 2024-08-01. Review status: criteria provided, single submitter. Criteria: CeGaT Center For Human Genetics Tuebingen Variant Classification Criteria Version 2. Collection method: clinical testing. Allele origin: germline. Affected: yes. Observed: 1 variant allele.
Comment: KCNQ1OT1: BS1, BS2